The following is an entry in ClinVar:

ClinVar aggregate classification (germline): Uncertain significance. Review status: criteria provided, multiple submitters, no conflicts (2 of 4 stars). 2 submissions from 2 submitters: Uncertain significance (2). Last evaluated 2025-02-25.

Conditions:
Inborn genetic diseases. Identifiers: MedGen C0950123, MeSH D030342.

gnomAD v4.1: 20 of 1,613,834 alleles (0.0012%); highest among the groups gnomAD compares: Admixed American, 0.013%; no homozygotes.

Submissions (2):

Ambry Genetics
Classification: Uncertain significance for Inborn genetic diseases. Last evaluated: 2025-02-25. Review status: criteria provided, single submitter. Criteria: Ambry Variant Classification Scheme 2023. Collection method: clinical testing. Allele origin: germline.

GeneDx
Classification: Uncertain significance. Last evaluated: 2023-07-03. Review status: criteria provided, single submitter. Criteria: GeneDx Variant Classification Process June 2021. Collection method: clinical testing. Allele origin: germline. Affected: yes.
Comment: In silico analysis supports that this missense variant has a deleterious effect on protein structure/function; Has not been previously published as pathogenic or benign to our knowledge

NM_003285.3(TNR):c.3821G>A (p.Arg1274His)

Gene: TNR (tenascin R; minus strand). Cytogenetic location: 1q25.1.
Variant type: single nucleotide variant.
Coding change: c.3821G>A on transcript NM_003285.3 (MANE Select); coding-DNA position 3821, G replaced by A.
Protein change: p.Arg1274His; replaces arginine 1274 with histidine.
Molecular consequence: missense variant.
Genome position (GRCh38, 1-based): chr1:175,324,492, C>T on the plus strand (G>A on the coding strand, the complement: TNR is on the minus strand). VCF-style: chr1-175324492-C-T. GRCh37 (hg19) VCF-style: chr1-175293628-C-T.
Other names: c.2822G>A, p.Arg941His (NM_001328635.2); short protein forms R1274H, R941H.
Identifiers: ClinVar variation 3360747 (VCV003360747.2).